The following is an entry in ClinVar:

ClinVar aggregate classification (germline): Uncertain significance. Review status: criteria provided, multiple submitters, no conflicts (2 of 4 stars). 2 submissions from 2 submitters: Uncertain significance (2). Last evaluated 2024-06-19.

Conditions:
Hereditary cancer-predisposing syndrome. Also called: Hereditary Cancer Syndrome; Hereditary neoplastic syndrome; Tumor predisposition; Neoplastic Syndromes, Hereditary. Identifiers: Orphanet 140162, MedGen C0027672, MeSH D009386, MONDO:0015356.

Submissions (2):

Ambry Genetics
Classification: Uncertain significance for Hereditary cancer-predisposing syndrome. Last evaluated: 2024-06-19. Review status: criteria provided, single submitter. Criteria: Ambry Variant Classification Scheme 2023. Collection method: clinical testing. Allele origin: germline.
Comment: The p.I756M variant (also known as c.2268A>G), located in coding exon 16 of the MSH3 gene, results from an A to G substitution at nucleotide position 2268. The isoleucine at codon 756 is replaced by methionine, an amino acid with highly similar properties. This amino acid position is conserved. In addition, this alteration is predicted to be tolerated by in silico analysis. Based on the available evidence, the clinical significance of this variant remains unclear.

Labcorp Genetics (formerly Invitae), Labcorp
Classification: Uncertain significance. Last evaluated: 2024-02-01. Review status: criteria provided, single submitter. Criteria: Invitae Variant Classification Sherloc (09022015). Collection method: clinical testing. Allele origin: germline.
Comment: This sequence change replaces isoleucine, which is neutral and non-polar, with methionine, which is neutral and non-polar, at codon 756 of the MSH3 protein (p.Ile756Met). This variant is not present in population databases (gnomAD no frequency). This variant has not been reported in the literature in individuals affected with MSH3-related conditions. ClinVar contains an entry for this variant (Variation ID: 1957389). An algorithm developed to predict the effect of missense changes on protein structure and function (PolyPhen-2) suggests that this variant is likely to be tolerated. In summary, the available evidence is currently insufficient to determine the role of this variant in disease. Therefore, it has been classified as a Variant of Uncertain Significance.

NM_002439.5(MSH3):c.2268A>G (p.Ile756Met)

Gene: MSH3 (mutS homolog 3; plus strand). Cytogenetic location: 5q14.1.
Variant type: single nucleotide variant.
Coding change: c.2268A>G on transcript NM_002439.5 (MANE Select); coding-DNA position 2268, A replaced by G.
Protein change: p.Ile756Met; replaces isoleucine 756 with methionine.
Molecular consequence: missense variant.
Genome position (GRCh38, 1-based): chr5:80,775,708, A>G. VCF-style: chr5-80775708-A-G. GRCh37 (hg19) VCF-style: chr5-80071527-A-G.
Other names: c.2268A>G (NM_002439.3); short protein forms I756M.
Identifiers: ClinVar variation 1957389 (VCV001957389.6), dbSNP rs2112890126, ClinGen allele CA360280734.